The following is an entry in ClinVar:

ClinVar aggregate classification (germline): Likely pathogenic (1 of 4 stars; one submission).

Conditions:
TGFB3-related disorder. Also called: TGFB3-related condition.

Submission:

PreventionGenetics, part of Exact Sciences
Classification: Likely pathogenic for TGFB3-related condition. Last evaluated: 2023-09-16. Review status: criteria provided, single submitter. Criteria: ACMG Guidelines, 2015. Collection method: clinical testing. Allele origin: germline.
Comment: The TGFB3 c.202C>T variant is predicted to result in premature protein termination (p.Gln68*). To our knowledge, this variant has not been reported in the literature or in a large population database, indicating this variant is rare. Nonsense variants in TGFB3 are expected to be pathogenic. This variant is interpreted as likely pathogenic.

NM_003239.5(TGFB3):c.202C>T (p.Gln68Ter)

Gene: TGFB3 (transforming growth factor beta 3; minus strand). Cytogenetic location: 14q24.3.
Variant type: single nucleotide variant.
Coding change: c.202C>T on transcript NM_003239.5 (MANE Select); coding-DNA position 202, C replaced by T.
Protein change: p.Gln68Ter; replaces glutamine 68 with a stop codon.
Molecular consequence: nonsense.
Genome position (GRCh38, 1-based): chr14:75,980,692, G>A on the plus strand (C>T on the coding strand, the complement: TGFB3 is on the minus strand). VCF-style: chr14-75980692-G-A. GRCh37 (hg19) VCF-style: chr14-76447035-G-A.
Other names: c.202C>T, p.Gln68Ter (NM_001329938.2, NM_001329939.2); short protein forms Q68*.
Identifiers: ClinVar variation 2630839 (VCV002630839.1), dbSNP rs2503023741, ClinGen allele CA390471436.